The following is an entry in ClinVar:

NM_000169.3(GLA):c.1034C>G (p.Ser345Ter)

Genes: GLA (galactosidase alpha; minus strand), RPL36A-HNRNPH2 (RPL36A-HNRNPH2 readthrough; plus strand). Cytogenetic location: Xq22.1.
Variant type: single nucleotide variant.
Coding change: c.1034C>G on transcript NM_000169.3 (MANE Select); coding-DNA position 1034, C replaced by G.
Protein change: p.Ser345Ter; replaces serine 345 with a stop codon.
Molecular consequence: nonsense. On other transcripts: non-coding transcript variant (3), intron variant (2).
Genome position (GRCh38, 1-based): chrX:101,398,065, G>C on the plus strand (C>G on the coding strand, the complement: GLA is on the minus strand). VCF-style: chrX-101398065-G-C. GRCh37 (hg19) VCF-style: chrX-100653053-G-C.
Other names: c.1157C>G, p.Ser386Ter (NM_001406747.1); c.300+2608G>C (NM_001199973.2); c.177+6243G>C (NM_001199974.2); short protein forms S345*, S386*.
Identifiers: ClinVar variation 4087190 (VCV004087190.2).

ClinVar aggregate classification (germline): Pathogenic (1 of 4 stars; one submission).

Conditions:
Fabry disease. Also called: ALPHA-GALACTOSIDASE A DEFICIENCY; ANDERSON-FABRY DISEASE; CERAMIDE TRIHEXOSIDASE DEFICIENCY; GLA DEFICIENCY; HEREDITARY DYSTOPIC LIPIDOSIS; Angiokeratoma corporis diffusum. Identifiers: Orphanet 324, MedGen C0002986, MONDO:0010526, OMIM 301500, HP:0001071. Disease mechanism: Fabry disease is due to inactivating mutations in the X-linked GLA gene resulting in deficiency of the enzyme Alpha Galactosidase-A., loss of function.

Submission:

Genomenon, Inc
Classification: Pathogenic for Fabry disease. Last evaluated: 2026-09-08. Review status: criteria provided, single submitter. Criteria: Genomenon Sequence Variant Interpretation Standards - Updated. Collection method: curation. Allele origin: germline. Affected: yes.
Comment: GLA p.Ser345Ter (c.1034C>G) is a nonsense variant that introduces a premature stop codon at amino acid position 345 and is predicted to result in a truncated or absent protein product. This variant has been observed in at least one proband with clinical features consistent with Fabry disease (PMID:25965380;24055776;23864212). The variant was found to segregate with disease in at least one affected family (PMID:11531969). Functional studies have been reported (PMID:20526001). It is absent or not present at a significant frequency in gnomAD. In conclusion, we classify GLA p.Ser345Ter (c.1034C>G) as a pathogenic variant.

Literature cited by the submitters: PubMed 25965380; PubMed 24055776; PubMed 23864212; PubMed 11531969; PubMed 20526001.